The following is an entry in ClinVar:

ClinVar aggregate classification (germline): Benign/Likely benign. Review status: criteria provided, multiple submitters, no conflicts (2 of 4 stars). 5 submissions from 5 submitters: Benign (1); Likely benign (2). 2 of the submissions do not count toward it. Last evaluated 2026-05-01.

Conditions:
ACOX1-related disorder. Also called: ACOX1-related disorders; ACOX1-related condition.
Acyl-CoA oxidase deficiency. Also called: Peroxisomal acyl-CoA oxidase deficiency; STRAIGHT-CHAIN ACYL-CoA OXIDASE DEFICIENCY; Pseudoneonatal adrenoleukodystrophy. Identifiers: Orphanet 2971, MedGen C1849678, MONDO:0009919, OMIM 264470. Disease mechanism: loss of function.

Allele frequency attached by ClinVar (database versions not stated): 1000 Genomes Project 30x 0.00031; 1000 Genomes Project 0.00040; TOPMed 0.00056; ESP Exome Variant Server 0.00069; gnomAD exomes 0.00119 and 0.00165; gnomAD 0.00136 and 0.00147; ExAC 0.00166.
gnomAD v4.1: 1,924 of 1,614,190 alleles (0.12%); highest among the groups gnomAD compares: Non-Finnish European, 0.11%; 6 homozygotes.

Submissions (5):

CeGaT Center for Human Genetics Tuebingen
Classification: Likely benign. Last evaluated: 2026-05-01. Review status: criteria provided, single submitter. Criteria: CeGaT Center For Human Genetics Tuebingen Variant Classification Criteria Version 2. Collection method: clinical testing. Allele origin: germline. Affected: yes. Observed: 6 variant alleles.
Comment: ACOX1: BP4, BP7

Labcorp Genetics (formerly Invitae), Labcorp
Classification: Benign for Acyl-CoA oxidase deficiency. Last evaluated: 2026-01-26. Review status: criteria provided, single submitter. Criteria: Invitae Variant Classification Sherloc (09022015). Collection method: clinical testing. Allele origin: germline.

Blueprint Genetics
Classification: Likely benign. Last evaluated: 2024-11-21. Review status: criteria provided, single submitter. Criteria: ACMG Guidelines, 2015. Collection method: clinical testing. Allele origin: germline.

PreventionGenetics, part of Exact Sciences
Classification: Likely benign for ACOX1-related condition. Last evaluated: 2024-05-15. Review status: no assertion criteria provided. Collection method: clinical testing. Allele origin: germline. Not counted in ClinVar's aggregate classification.
Comment: This variant is classified as likely benign based on ACMG/AMP sequence variant interpretation guidelines (Richards et al. 2015 PMID: 25741868, with internal and published modifications).

Natera, Inc.
Classification: Benign for Peroxisomal acyl-CoA oxidase deficiency. Last evaluated: 2019-10-28. Review status: no assertion criteria provided. Collection method: clinical testing. Allele origin: germline. Not counted in ClinVar's aggregate classification.

NM_004035.7(ACOX1):c.1368C>T (p.Asn456=)

Gene: ACOX1 (acyl-CoA oxidase 1; minus strand). Cytogenetic location: 17q25.1.
Variant type: single nucleotide variant.
Coding change: c.1368C>T on transcript NM_004035.7 (MANE Select); coding-DNA position 1368, C replaced by T.
Protein change: p.Asn456=; no amino-acid change (asparagine 456 retained).
Molecular consequence: synonymous variant.
Genome position (GRCh38, 1-based): chr17:75,949,828, G>A on the plus strand (C>T on the coding strand, the complement: ACOX1 is on the minus strand). VCF-style: chr17-75949828-G-A. GRCh37 (hg19) VCF-style: chr17-73945909-G-A.
Other names: c.1254C>T, p.Asn418= (NM_001185039.2); c.1368C>T, p.Asn456= (NM_007292.6).
Identifiers: ClinVar variation 325378 (VCV000325378.45), dbSNP rs151255626, ClinGen allele CA8776790.
Genomic context (GRCh38, chr17:75,949,828, plus strand): 5'-ATCCACCATGGTTGGCCAGACTGCTACCTGCTGTGGCTGGATGCGCTGACTGGGCAGGTC[G>A]TTCAAATAGGACACCATGCCACACACCAACTTTCCTGAGTGCACCTGATCATAACTTTTC-3'
Protein context (NP_004026.2, residues 446-466): KLVCGMVSYL[Asn456=]DLPSQRIQPQ